The following is an entry in ClinVar:

NM_006231.4(POLE):c.4933C>T (p.Gln1645Ter)

Gene: POLE (DNA polymerase epsilon, catalytic subunit; minus strand). Cytogenetic location: 12q24.33.
Variant type: single nucleotide variant.
Coding change: c.4933C>T on transcript NM_006231.4 (MANE Select); coding-DNA position 4933, C replaced by T.
Protein change: p.Gln1645Ter; replaces glutamine 1645 with a stop codon.
Molecular consequence: nonsense.
Genome position (GRCh38, 1-based): chr12:132,642,525, G>A on the plus strand (C>T on the coding strand, the complement: POLE is on the minus strand). VCF-style: chr12-132642525-G-A. GRCh37 (hg19) VCF-style: chr12-133219111-G-A.
Other names: short protein forms Q1645*.
Identifiers: ClinVar variation 825307 (VCV000825307.10), dbSNP rs1593730641, ClinGen allele CA387377875.

ClinVar aggregate classification (germline): Conflicting classifications of pathogenicity. Review status: criteria provided, conflicting classifications (1 of 4 stars). 2 submissions from 2 submitters: Pathogenic (1); Uncertain significance (1). Last evaluated 2026-02-05.

Conditions:
Hereditary cancer-predisposing syndrome. Also called: Hereditary Cancer Syndrome; Tumor predisposition; Neoplastic Syndromes, Hereditary; Hereditary neoplastic syndrome. Identifiers: Orphanet 140162, MedGen C0027672, MeSH D009386, MONDO:0015356.

Submissions (2):

Ambry Genetics
Classification: Uncertain significance for Hereditary cancer-predisposing syndrome. Last evaluated: 2026-02-05. Review status: criteria provided, single submitter. Criteria: Ambry Variant Classification Scheme 2023. Collection method: clinical testing. Allele origin: germline.
Comment: The p.Q1645* variant (also known as c.4933C>T), located in coding exon 37 of the POLE gene, results from a C to T substitution at nucleotide position 4933. This changes the amino acid from a glutamine to a stop codon within coding exon 37. This alteration is expected to result in loss of function by premature protein truncation or nonsense-mediated mRNA decay. Although biallelic loss of function of POLE has been associated with autosomal recessive POLE deficiency, haploinsufficiency of POLE has not been established as a mechanism of disease for POLE-related polymerase proofreading-associated polyposis (PPAP) and POLE-related CMMRD-like syndrome. Based on the supporting evidence, this variant is expected to be causative of POLE deficiency when present along with a second pathogenic variant on the other allele; however, its clinical significance for PPAP and POLE-related CMMRD-like syndrome is unclear.

Labcorp Genetics (formerly Invitae), Labcorp
Classification: Pathogenic. Last evaluated: 2025-07-25. Review status: criteria provided, single submitter. Criteria: Invitae Variant Classification Sherloc (09022015). Collection method: clinical testing. Allele origin: germline.
Comment: This sequence change creates a premature translational stop signal (p.Gln1645*) in the POLE gene. It is expected to result in an absent or disrupted protein product. Loss-of-function variants in POLE are known to be pathogenic (PMID: 23230001, 25948378, 30503519). This variant is not present in population databases (gnomAD no frequency). This variant has not been reported in the literature in individuals affected with POLE-related conditions. ClinVar contains an entry for this variant (Variation ID: 825307). For these reasons, this variant has been classified as Pathogenic.

Literature cited by the submitters: PubMed 23230001 (cited by Labcorp Genetics (formerly Invitae), Labcorp); PubMed 25948378 (cited by Labcorp Genetics (formerly Invitae), Labcorp); PubMed 30503519 (cited by Labcorp Genetics (formerly Invitae), Labcorp).